The following is an entry in ClinVar:

ClinVar aggregate classification (germline): Uncertain significance. Review status: criteria provided, multiple submitters, no conflicts (2 of 4 stars). 2 submissions from 2 submitters: Uncertain significance (2). Last evaluated 2025-03-30.

Conditions:
Ehlers-Danlos syndrome, type 4 (EDSVASC). Also called: Ehlers-Danlos Syndrome Type IV; Ehlers-Danlos syndrome vascular type; Ehlers Danlos syndrome, ecchymotic type; Ehlers Danlos syndrome, arterial type; Ehlers Danlos syndrome, Sack-Barabas type. Identifiers: Orphanet 286, MedGen C0268338, MONDO:0017314, OMIM 130050.

Submissions (2):

Labcorp Genetics (formerly Invitae), Labcorp
Classification: Uncertain significance for Ehlers-Danlos syndrome, type 4. Last evaluated: 2025-03-30. Review status: criteria provided, single submitter. Criteria: Invitae Variant Classification Sherloc (09022015). Collection method: clinical testing. Allele origin: germline.
Comment: This sequence change replaces valine, which is neutral and non-polar, with isoleucine, which is neutral and non-polar, at codon 859 of the COL3A1 protein (p.Val859Ile). This variant is not present in population databases (gnomAD no frequency). This variant has not been reported in the literature in individuals affected with COL3A1-related conditions. ClinVar contains an entry for this variant (Variation ID: 2732729). Invitae Evidence Modeling of protein sequence and biophysical properties (such as structural, functional, and spatial information, amino acid conservation, physicochemical variation, residue mobility, and thermodynamic stability) indicates that this missense variant is not expected to disrupt COL3A1 protein function with a negative predictive value of 95%. In summary, the available evidence is currently insufficient to determine the role of this variant in disease. Therefore, it has been classified as a Variant of Uncertain Significance.

All of Us Research Program, National Institutes of Health
Classification: Uncertain significance for Ehlers-Danlos syndrome, type 4. Last evaluated: 2023-04-03. Review status: criteria provided, single submitter. Criteria: ACMG Guidelines, 2015. Collection method: clinical testing. Allele origin: germline. Inheritance: Autosomal dominant inheritance. Observed: 1 variant allele, 1 heterozygote.
Comment: This missense variant replaces valine with isoleucine at codon 859 of the COL3A1 protein. Computational prediction suggests that this variant may not impact protein structure and function (internally defined REVEL score threshold <= 0.5, PMID: 27666373). To our knowledge, functional studies have not been reported for this variant. This variant has not been reported in individuals affected with COL3A1-related disorders in the literature. This variant has not been identified in the general population by the Genome Aggregation Database (gnomAD). The available evidence is insufficient to determine the role of this variant in disease conclusively. Therefore, this variant is classified as a Variant of Uncertain Significance.

This study involves interpretation of variants in research participants for the purpose of population health screening. Participant phenotype was not available at the time of variant classification. Additional details can be found in publication PMID: 35346344, PMCID: PMC8962531

NM_000090.4(COL3A1):c.2575G>A (p.Val859Ile)

Gene: COL3A1 (collagen type III alpha 1 chain; plus strand). Cytogenetic location: 2q32.2.
Variant type: single nucleotide variant.
Coding change: c.2575G>A on transcript NM_000090.4 (MANE Select); coding-DNA position 2575, G replaced by A.
Protein change: p.Val859Ile; replaces valine 859 with isoleucine.
Molecular consequence: missense variant.
Genome position (GRCh38, 1-based): chr2:189,003,432, G>A. VCF-style: chr2-189003432-G-A. GRCh37 (hg19) VCF-style: chr2-189868158-G-A.
Other names: short protein forms V859I.
Identifiers: ClinVar variation 2732729 (VCV002732729.4), dbSNP rs2469152151, ClinGen allele CA349843464.